The following is an entry in ClinVar:

NM_033215.5(PPP1R3F):c.937G>C (p.Glu313Gln)

Gene: PPP1R3F (protein phosphatase 1 regulatory subunit 3F; plus strand). Cytogenetic location: Xp11.23.
Variant type: single nucleotide variant.
Coding change: c.937G>C on transcript NM_033215.5 (MANE Select); coding-DNA position 937, G replaced by C.
Protein change: p.Glu313Gln; replaces glutamic acid 313 with glutamine.
Molecular consequence: missense variant. On other transcripts: intron variant (1).
Genome position (GRCh38, 1-based): chrX:49,270,806, G>C. VCF-style: chrX-49270806-G-C. GRCh37 (hg19) VCF-style: chrX-49127269-G-C.
Other names: c.-32+873G>C (NM_001184745.2); short protein forms E313Q.
Identifiers: ClinVar variation 3772161 (VCV003772161.13).

ClinVar aggregate classification (germline): Uncertain significance (1 of 4 stars; one submission).

gnomAD v4.1: 1 of 1,191,247 alleles (0.000084%); highest among the groups gnomAD compares: Admixed American, 0.0023%; no homozygotes.

Submission:

CeGaT Center for Human Genetics Tuebingen
Classification: Uncertain significance. Last evaluated: 2025-01-01. Review status: criteria provided, single submitter. Criteria: CeGaT Center For Human Genetics Tuebingen Variant Classification Criteria Version 2. Collection method: clinical testing. Allele origin: germline. Affected: yes. Observed: 1 variant allele.
Comment: PPP1R3F: PM2